The following is an entry in ClinVar:

NM_000535.7(PMS2):c.1052T>G (p.Leu351Trp)

Gene: PMS2 (PMS1 homolog 2, mismatch repair system component; minus strand). Cytogenetic location: 7p22.1.
Variant type: single nucleotide variant.
Coding change: c.1052T>G on transcript NM_000535.7 (MANE Select); coding-DNA position 1052, T replaced by G.
Protein change: p.Leu351Trp; replaces leucine 351 with tryptophan.
Molecular consequence: missense variant. On other transcripts: non-coding transcript variant (1), intron variant (2).
Genome position (GRCh38, 1-based): chr7:5,989,892, A>C on the plus strand (T>G on the coding strand, the complement: PMS2 is on the minus strand). VCF-style: chr7-5989892-A-C. GRCh37 (hg19) VCF-style: chr7-6029523-A-C.
Other names: c.647T>G, p.Leu216Trp (NM_001322003.2, NM_001322004.2, NM_001322005.2 and 1 more transcripts); c.734T>G, p.Leu245Trp (NM_001322007.2, NM_001322008.2); c.119T>G, p.Leu40Trp (NM_001322011.2, NM_001322012.2); c.479T>G, p.Leu160Trp (NM_001322013.2); c.1052T>G, p.Leu351Trp (NM_001322014.2); c.743T>G, p.Leu248Trp (NM_001322015.2); c.583+2081T>G (NM_001322010.2); c.988+2081T>G (NM_001322006.2); short protein forms L248W, L40W, L216W, L245W, L351W, L160W.
Identifiers: ClinVar variation 950866 (VCV000950866.15), dbSNP rs1783536235, ClinGen allele CA366742905.

ClinVar aggregate classification (germline): Uncertain significance. Review status: criteria provided, multiple submitters, no conflicts (2 of 4 stars). 3 submissions from 3 submitters: Uncertain significance (3). Last evaluated 2025-08-09.

Conditions:
Hereditary nonpolyposis colorectal neoplasms. Identifiers: MedGen C0009405, MeSH D003123.
Hereditary cancer-predisposing syndrome. Also called: Tumor predisposition; Hereditary neoplastic syndrome; Neoplastic Syndromes, Hereditary; Hereditary Cancer Syndrome. Identifiers: Orphanet 140162, MedGen C0027672, MeSH D009386, MONDO:0015356.

gnomAD v4.1: 2 of 1,612,512 alleles (0.00012%); highest among the groups gnomAD compares: Non-Finnish European, 0.00017%; no homozygotes.

Submissions (3):

Labcorp Genetics (formerly Invitae), Labcorp
Classification: Uncertain significance for Hereditary nonpolyposis colorectal neoplasms. Last evaluated: 2025-08-09. Review status: criteria provided, single submitter. Criteria: Invitae Variant Classification Sherloc (09022015). Collection method: clinical testing. Allele origin: germline.
Comment: This sequence change replaces leucine, which is neutral and non-polar, with tryptophan, which is neutral and slightly polar, at codon 351 of the PMS2 protein (p.Leu351Trp). This variant is not present in population databases (gnomAD no frequency). This variant has not been reported in the literature in individuals affected with PMS2-related conditions. ClinVar contains an entry for this variant (Variation ID: 950866). Invitae Evidence Modeling incorporating data from in vitro experimental studies (internal data) indicates that this missense variant is not expected to disrupt PMS2 function with a negative predictive value of 95%. In summary, the available evidence is currently insufficient to determine the role of this variant in disease. Therefore, it has been classified as a Variant of Uncertain Significance.

Ambry Genetics
Classification: Uncertain significance for Hereditary cancer-predisposing syndrome. Last evaluated: 2025-07-18. Review status: criteria provided, single submitter. Criteria: Ambry Variant Classification Scheme 2023. Collection method: clinical testing. Allele origin: germline.
Comment: The p.L351W variant (also known as c.1052T>G), located in coding exon 10 of the PMS2 gene, results from a T to G substitution at nucleotide position 1052. The leucine at codon 351 is replaced by tryptophan, an amino acid with similar properties. This amino acid position is highly conserved in available vertebrate species. In addition, this alteration is predicted to be deleterious by in silico analysis. Based on the available evidence, the clinical significance of this variant remains unclear.

Color Diagnostics, LLC DBA Color Health
Classification: Uncertain significance for Hereditary cancer-predisposing syndrome. Last evaluated: 2024-04-15. Review status: criteria provided, single submitter. Criteria: ACMG Guidelines, 2015. Collection method: clinical testing. Allele origin: germline.
Comment: This missense variant replaces leucine with tryptophan at codon 351 of the PMS2 protein. Computational prediction suggests that this variant may have deleterious impact on protein structure and function (internally defined REVEL score threshold >= 0.7, PMID: 27666373). To our knowledge, functional studies have not been reported for this variant. This variant has not been reported in individuals affected with PMS2-related disorders in the literature. This variant has not been identified in the general population by the Genome Aggregation Database (gnomAD). The available evidence is insufficient to determine the role of this variant in disease conclusively. Therefore, this variant is classified as a Variant of Uncertain Significance.